The following is an entry in ClinVar:

NM_203447.4(DOCK8):c.5900C>T (p.Pro1967Leu)

Gene: DOCK8 (dedicator of cytokinesis 8; plus strand). Cytogenetic location: 9p24.3.
Variant type: single nucleotide variant.
Coding change: c.5900C>T on transcript NM_203447.4 (MANE Select); coding-DNA position 5900, C replaced by T.
Protein change: p.Pro1967Leu; replaces proline 1967 with leucine.
Molecular consequence: missense variant.
Genome position (GRCh38, 1-based): chr9:449,866, C>T. VCF-style: chr9-449866-C-T. GRCh37 (hg19) VCF-style: chr9-449866-C-T.
Other names: c.5600C>T, p.Pro1867Leu (NM_001190458.2); c.5696C>T, p.Pro1899Leu (NM_001193536.2); short protein forms P1867L, P1899L, P1967L.
Identifiers: ClinVar variation 856386 (VCV000856386.8), dbSNP rs565777410, ClinGen allele CA4959575.

ClinVar aggregate classification (germline): Uncertain significance (1 of 4 stars; one submission).

Conditions:
Combined immunodeficiency due to DOCK8 deficiency (HIES2). Also called: HYPER-IgE RECURRENT INFECTION SYNDROME 2, AUTOSOMAL RECESSIVE; HYPER-IgE SYNDROME 2, AUTOSOMAL RECESSIVE, WITH RECURRENT INFECTIONS; HIES autosomal recessive; DOCK8 Deficiency; Hyper-IgE recurrent infection syndrome, autosomal recessive. Identifiers: Orphanet 217390, MedGen C4722305, MONDO:0009478, OMIM 243700.

Allele frequency attached by ClinVar (database versions not stated): TOPMed below 0.00001; ExAC 0.00001; gnomAD 0.00001; gnomAD exomes 0.00001; 1000 Genomes Project 30x 0.00016; 1000 Genomes Project 0.00020.
gnomAD v4.1: 14 of 1,613,738 alleles (0.00087%); highest among the groups gnomAD compares: East Asian, 0.0022%; no homozygotes.

Submission:

Labcorp Genetics (formerly Invitae), Labcorp
Classification: Uncertain significance for Combined immunodeficiency due to DOCK8 deficiency. Last evaluated: 2025-11-03. Review status: criteria provided, single submitter. Criteria: Invitae Variant Classification Sherloc (09022015). Collection method: clinical testing. Allele origin: germline.
Comment: This sequence change replaces proline, which is neutral and non-polar, with leucine, which is neutral and non-polar, at codon 1967 of the DOCK8 protein (p.Pro1967Leu). This variant is present in population databases (rs565777410, gnomAD 0.006%). This variant has not been reported in the literature in individuals affected with DOCK8-related conditions. ClinVar contains an entry for this variant (Variation ID: 856386). Invitae Evidence Modeling of protein sequence and biophysical properties (such as structural, functional, and spatial information, amino acid conservation, physicochemical variation, residue mobility, and thermodynamic stability) has been performed for this missense variant. However, the output from this modeling did not meet the statistical confidence thresholds required to predict the impact of this variant on DOCK8 protein function. In summary, the available evidence is currently insufficient to determine the role of this variant in disease. Therefore, it has been classified as a Variant of Uncertain Significance.